The following is an entry in ClinVar:

ClinVar aggregate classification (germline): Uncertain significance (1 of 4 stars; one submission).

Conditions:
Neuroblastoma, susceptibility to, 3. Also called: ALK-Related Neuroblastic Tumor Susceptibility. Identifiers: Orphanet 635, MedGen C2751681, MONDO:0013083, OMIM 613014.

Allele frequency attached by ClinVar (database versions not stated): gnomAD exomes below 0.00001.
gnomAD v4.1: 1 of 1,555,014 alleles (0.000064%); highest among the groups gnomAD compares: Non-Finnish European, 0.000087%; no homozygotes.

Submission:

Labcorp Genetics (formerly Invitae), Labcorp
Classification: Uncertain significance for Neuroblastoma, susceptibility to, 3. Last evaluated: 2022-09-12. Review status: criteria provided, single submitter. Criteria: Invitae Variant Classification Sherloc (09022015). Collection method: clinical testing. Allele origin: germline.
Comment: This sequence change replaces glycine, which is neutral and non-polar, with aspartic acid, which is acidic and polar, at codon 113 of the ALK protein (p.Gly113Asp). This variant is not present in population databases (gnomAD no frequency). This variant has not been reported in the literature in individuals affected with ALK-related conditions. Algorithms developed to predict the effect of missense changes on protein structure and function are either unavailable or do not agree on the potential impact of this missense change (SIFT: "Deleterious"; PolyPhen-2: "Benign"; Align-GVGD: "Class C0"). In summary, the available evidence is currently insufficient to determine the role of this variant in disease. Therefore, it has been classified as a Variant of Uncertain Significance.

NM_004304.5(ALK):c.338G>A (p.Gly113Asp)

Gene: ALK (ALK receptor tyrosine kinase; minus strand). Cytogenetic location: 2p23.1.
Variant type: single nucleotide variant.
Coding change: c.338G>A on transcript NM_004304.5 (MANE Select); coding-DNA position 338, G replaced by A.
Protein change: p.Gly113Asp; replaces glycine 113 with aspartic acid.
Molecular consequence: missense variant.
Genome position (GRCh38, 1-based): chr2:29,920,322, C>T on the plus strand (G>A on the coding strand, the complement: ALK is on the minus strand). VCF-style: chr2-29920322-C-T. GRCh37 (hg19) VCF-style: chr2-30143188-C-T.
Other names: short protein forms G113D.
Identifiers: ClinVar variation 1719260 (VCV001719260.5), dbSNP rs1479433859, ClinGen allele CA346590233.